The following is an entry in ClinVar:

NM_024426.6(WT1):c.532G>C (p.Gly178Arg)

Genes: WT1 (WT1 transcription factor; minus strand), LOC107982234 (WT1/WT1-AS bi-directional promoter region; plus strand). Cytogenetic location: 11p13.
Variant type: single nucleotide variant.
Coding change: c.532G>C on transcript NM_024426.6 (MANE Select); coding-DNA position 532, G replaced by C.
Protein change: p.Gly178Arg; replaces glycine 178 with arginine.
Molecular consequence: missense variant. On other transcripts: non-coding transcript variant (2).
Genome position (GRCh38, 1-based): chr11:32,434,829, C>G on the plus strand (G>C on the coding strand, the complement: WT1 is on the minus strand). VCF-style: chr11-32434829-C-G. GRCh37 (hg19) VCF-style: chr11-32456375-C-G.
Other names: c.532G>C, p.Gly178Arg (NM_000378.6, NM_001407044.1, NM_001407045.1 and 6 more transcripts); c.313G>C, p.Gly105Arg (NM_001429031.1, NM_001429032.1, NM_001429033.1 and 1 more transcripts); short protein forms G105R, G173R, G178R.
Identifiers: ClinVar variation 4787741 (VCV004787741.1).

ClinVar aggregate classification (germline): Uncertain significance (1 of 4 stars; one submission).

Conditions:
Wilms tumor 1 (WT1). Also called: Wilms tumor, somatic. Identifiers: Orphanet 654, MedGen CN033288, MONDO:0008679, OMIM 194070.
11p partial monosomy syndrome (WAGR). Also called: CHROMOSOME 11p13 DELETION SYNDROME; WAGR syndrome; WAGR Complex; WAGR Spectrum Disorder. Identifiers: Orphanet 893, MedGen C0206115, MONDO:0008681, OMIM 194072.
Frasier syndrome. Identifiers: Orphanet 347, MedGen C0950122, MeSH D052159, MONDO:0007635, OMIM 136680.
Drash syndrome (DDS). Also called: NEPHROPATHY, WILMS TUMOR, AND GENITAL ANOMALIES; WILMS TUMOR AND PSEUDO- OR TRUE HERMAPHRODITISM. Identifiers: Orphanet 220, MedGen C0950121, MONDO:0008682, OMIM 194080.

Submission:

Labcorp Genetics (formerly Invitae), Labcorp
Classification: Uncertain significance for Wilms tumor 1; Drash syndrome; 11p partial monosomy syndrome; Frasier syndrome. Last evaluated: 2025-06-12. Review status: criteria provided, single submitter. Criteria: Invitae Variant Classification Sherloc (09022015). Collection method: clinical testing. Allele origin: germline.
Comment: This sequence change replaces glycine, which is neutral and non-polar, with arginine, which is basic and polar, at codon 173 of the WT1 protein (p.Gly173Arg). This variant is not present in population databases (gnomAD no frequency). This variant has not been reported in the literature in individuals affected with WT1-related conditions. Invitae Evidence Modeling of protein sequence and biophysical properties (such as structural, functional, and spatial information, amino acid conservation, physicochemical variation, residue mobility, and thermodynamic stability) has been performed for this missense variant. However, the output from this modeling did not meet the statistical confidence thresholds required to predict the impact of this variant on WT1 protein function. In summary, the available evidence is currently insufficient to determine the role of this variant in disease. Therefore, it has been classified as a Variant of Uncertain Significance.